The following is an entry in ClinVar:

NM_000321.3(RB1):c.1938T>C (p.Ser646=)

Gene: RB1 (RB transcriptional corepressor 1; plus strand). Cytogenetic location: 13q14.2.
Variant type: single nucleotide variant.
Coding change: c.1938T>C on transcript NM_000321.3 (MANE Select); coding-DNA position 1938, T replaced by C.
Protein change: p.Ser646=; no amino-acid change (serine 646 retained).
Molecular consequence: synonymous variant.
Genome position (GRCh38, 1-based): chr13:48,456,327, T>C. VCF-style: chr13-48456327-T-C. GRCh37 (hg19) VCF-style: chr13-49030463-T-C.
Other names: c.1938T>C, p.Ser646= (NM_001407165.1).
Identifiers: ClinVar variation 4876007 (VCV004876007.1).

ClinVar aggregate classification (germline): Benign (1 of 4 stars; one submission).

Conditions:
Retinoblastoma (RB1). Also called: RETINOBLASTOMA, SOMATIC. Identifiers: Orphanet 790, MedGen C0035335, MeSH D012175, MONDO:0008380, OMIM 180200, HP:0009919. Disease mechanism: loss of function. Inheritance: Both sporadic and heritable forms are tested..

Submission:

Myriad Genetics, Inc.
Classification: Benign for Retinoblastoma. Last evaluated: 2026-06-25. Review status: criteria provided, single submitter. Criteria: Myriad Autosomal Dominant, Autosomal Recessive and X-Linked Classification Criteria (2023). Collection method: clinical testing. Allele origin: unknown.
Comment: This variant is considered benign. This variant is a silent/synonymous amino acid change and it is not expected to impact splicing.